The following is an entry in ClinVar:

ClinVar aggregate classification (germline): Uncertain significance. Review status: criteria provided, multiple submitters, no conflicts (2 of 4 stars). 2 submissions from 2 submitters: Uncertain significance (2). Last evaluated 2023-07-17.

Submissions (2):

Labcorp Genetics (formerly Invitae), Labcorp
Classification: Uncertain significance. Last evaluated: 2023-07-17. Review status: criteria provided, single submitter. Criteria: Invitae Variant Classification Sherloc (09022015). Collection method: clinical testing. Allele origin: germline.
Comment: In summary, the available evidence is currently insufficient to determine the role of this variant in disease. Therefore, it has been classified as a Variant of Uncertain Significance. Advanced modeling of protein sequence and biophysical properties (such as structural, functional, and spatial information, amino acid conservation, physicochemical variation, residue mobility, and thermodynamic stability) performed at Invitae indicates that this missense variant is expected to disrupt UBA5 protein function. ClinVar contains an entry for this variant (Variation ID: 2093374). This variant has not been reported in the literature in individuals affected with UBA5-related conditions. This variant is not present in population databases (gnomAD no frequency). This sequence change replaces asparagine, which is neutral and polar, with lysine, which is basic and polar, at codon 114 of the UBA5 protein (p.Asn114Lys).

GeneDx
Classification: Uncertain significance. Last evaluated: 2023-05-29. Review status: criteria provided, single submitter. Criteria: GeneDx Variant Classification Process June 2021. Collection method: clinical testing. Allele origin: germline. Affected: yes.
Comment: Not observed at significant frequency in large population cohorts (gnomAD); In silico analysis supports that this missense variant has a deleterious effect on protein structure/function; Has not been previously published as pathogenic or benign to our knowledge; Reported using an alternate transcript of the gene

NM_024818.6(UBA5):c.342T>G (p.Asn114Lys)

Genes: NPHP3-ACAD11 (NPHP3-ACAD11 readthrough (NMD candidate); minus strand), UBA5 (ubiquitin like modifier activating enzyme 5; plus strand). Cytogenetic location: 3q22.1.
Variant type: single nucleotide variant.
Coding change: c.342T>G on transcript NM_024818.6 (MANE Select); coding-DNA position 342, T replaced by G.
Protein change: p.Asn114Lys; replaces asparagine 114 with lysine.
Molecular consequence: missense variant.
Genome position (GRCh38, 1-based): chr3:132,668,862, T>G. VCF-style: chr3-132668862-T-G. GRCh37 (hg19) VCF-style: chr3-132387706-T-G.
Other names: c.174T>G, p.Asn58Lys (NM_001320210.2, NM_198329.4); c.72T>G, p.Asn24Lys (NM_001321238.2); c.6T>G, p.Asn2Lys (NM_001321239.1); short protein forms N2K, N58K, N114K, N24K.
Identifiers: ClinVar variation 2093374 (VCV002093374.5), dbSNP rs1444445994, ClinGen allele CA354572866.
Genomic context (GRCh38, chr3:132,668,862, plus strand): 5'-ACTATTTTCATTTTAGTTGCTACTCTTTGATTATGACAAGGTGGAACTAGCCAATATGAA[T>G]AGACTTTTCTTCCAACCTCATCAAGCAGGATTAAGTAAAGTTCAAGCAGCAGAACATACT-3'
Protein context (NP_079094.1, residues 104-124): DYDKVELANM[Asn114Lys]RLFFQPHQAG